The following is an entry in ClinVar:

NM_000744.7(CHRNA4):c.998G>A (p.Arg333His)

Gene: CHRNA4 (cholinergic receptor nicotinic alpha 4 subunit; minus strand). Cytogenetic location: 20q13.33.
Variant type: single nucleotide variant.
Coding change: c.998G>A on transcript NM_000744.7 (MANE Select); coding-DNA position 998, G replaced by A.
Protein change: p.Arg333His; replaces arginine 333 with histidine.
Molecular consequence: missense variant. On other transcripts: non-coding transcript variant (1).
Genome position (GRCh38, 1-based): chr20:63,350,413, C>T on the plus strand (G>A on the coding strand, the complement: CHRNA4 is on the minus strand). VCF-style: chr20-63350413-C-T. GRCh37 (hg19) VCF-style: chr20-61981765-C-T.
Other names: c.470G>A, p.Arg157His (NM_001256573.2); short protein forms R333H, R157H.
Identifiers: ClinVar variation 1036774 (VCV001036774.7), dbSNP rs1170843579, ClinGen allele CA409635687.
Genomic context (GRCh38, chr20:63,350,413, plus strand): 5'-GGCACGATGTCCAGGAAGACCCTGCGTACCCAGGTGGGCATGGTGTGCGTGCGTGGCGAG[C>T]GGTGGTGCACGTTGAGCACGAAGACCGTGATGACGATGGACAGGGTGACGAAGATCATGG-3'
Protein context (NP_000735.1, residues 323-343): ITVFVLNVHH[Arg333His]SPRTHTMPTW

ClinVar aggregate classification (germline): Uncertain significance. Review status: criteria provided, multiple submitters, no conflicts (2 of 4 stars). 2 submissions from 2 submitters: Uncertain significance (2). Last evaluated 2024-03-26.

Conditions:
Familial sleep-related hypermotor epilepsy. Also called: Autosomal Dominant Sleep-Related Hypermotor (Hyperkinetic) Epilepsy. Identifiers: Orphanet 98784, MedGen C3696898, MONDO:0000030.

Allele frequency attached by ClinVar (database versions not stated): gnomAD exomes below 0.00001 and 0.00002; gnomAD 0.00001; TOPMed 0.00001.
gnomAD v4.1: 32 of 1,613,732 alleles (0.002%); highest among the groups gnomAD compares: Non-Finnish European, 0.0024%; no homozygotes.

Submissions (2):

Blueprint Genetics
Classification: Uncertain significance. Last evaluated: 2024-03-26. Review status: criteria provided, single submitter. Criteria: ACMG Guidelines, 2015. Collection method: clinical testing. Allele origin: germline.

Labcorp Genetics (formerly Invitae), Labcorp
Classification: Uncertain significance. Last evaluated: 2024-02-16. Review status: criteria provided, single submitter. Criteria: Invitae Variant Classification Sherloc (09022015). Collection method: clinical testing. Allele origin: germline.
Comment: This sequence change replaces arginine, which is basic and polar, with histidine, which is basic and polar, at codon 333 of the CHRNA4 protein (p.Arg333His). This variant is present in population databases (no rsID available, gnomAD 0.0009%). This missense change has been observed in individual(s) with clinical features of CHRNA4-related conditions (Invitae). ClinVar contains an entry for this variant (Variation ID: 1036774). Advanced modeling of protein sequence and biophysical properties (such as structural, functional, and spatial information, amino acid conservation, physicochemical variation, residue mobility, and thermodynamic stability) performed at Invitae indicates that this missense variant is not expected to disrupt CHRNA4 protein function with a negative predictive value of 80%. In summary, the available evidence is currently insufficient to determine the role of this variant in disease. Therefore, it has been classified as a Variant of Uncertain Significance.